The following is an entry in ClinVar:

NM_003322.6(TULP1):c.647C>T (p.Ala216Val)

Gene: TULP1 (TUB like protein 1; minus strand). Cytogenetic location: 6p21.31.
Variant type: single nucleotide variant.
Coding change: c.647C>T on transcript NM_003322.6 (MANE Select); coding-DNA position 647, C replaced by T.
Protein change: p.Ala216Val; replaces alanine 216 with valine.
Molecular consequence: missense variant.
Genome position (GRCh38, 1-based): chr6:35,509,705, G>A on the plus strand (C>T on the coding strand, the complement: TULP1 is on the minus strand). VCF-style: chr6-35509705-G-A. GRCh37 (hg19) VCF-style: chr6-35477482-G-A.
Other names: p.Ala216Val; c.488C>T, p.Ala163Val (NM_001289395.2); short protein forms A216V, A163V.
Identifiers: ClinVar variation 906838 (VCV000906838.11), dbSNP rs754221623, ClinGen allele CA3772850.

ClinVar aggregate classification (germline): Uncertain significance. Review status: criteria provided, multiple submitters, no conflicts (2 of 4 stars). 4 submissions from 3 submitters: Uncertain significance (4). Last evaluated 2022-12-02.

Conditions:
Retinitis pigmentosa (RP). Identifiers: Orphanet 791, MedGen C0035334, MeSH D012174, MONDO:0019200, OMIM 268000. Inheritance: Autosomal dominant, autosomal recessive and X linked inheritance.
Leber congenital amaurosis 15 (LCA15). Identifiers: Orphanet 65, MedGen C3151206, MONDO:0013457, OMIM 613843.

Allele frequency attached by ClinVar (database versions not stated): TOPMed 0.00005; gnomAD exomes 0.00012.
gnomAD v4.1: 182 of 1,613,856 alleles (0.011%); highest among the groups gnomAD compares: Non-Finnish European, 0.014%; no homozygotes.

Submissions (4):

Foundation for Research in Genetics and Endocrinology, FRIGE's Institute of Human Genetics
Classification: Uncertain significance for Leber congenital amaurosis 15. Last evaluated: 2022-12-02. Review status: criteria provided, single submitter. Criteria: ACMG Guidelines, 2015. Collection method: clinical testing. Allele origin: germline. Inheritance: Autosomal recessive inheritance. Affected: yes. Observed: 1 heterozygote.
Comment: A heterozygous missense variation in exon 7 of the TULP1 gene that results in the amino acid substitution of Valine for Alanine at codon 216 (p.Ala216Val) was detected. This variant has not been reported in the 1000 genomes databases. The reference codon is conserved across species. In summary, the variant meets our criteria to be classified as a variant of uncertain significance.

Labcorp Genetics (formerly Invitae), Labcorp
Classification: Uncertain significance. Last evaluated: 2022-03-19. Review status: criteria provided, single submitter. Criteria: Invitae Variant Classification Sherloc (09022015). Collection method: clinical testing. Allele origin: germline.
Comment: This sequence change replaces alanine, which is neutral and non-polar, with valine, which is neutral and non-polar, at codon 216 of the TULP1 protein (p.Ala216Val). This variant is present in population databases (rs754221623, gnomAD 0.006%). This variant has not been reported in the literature in individuals affected with TULP1-related conditions. ClinVar contains an entry for this variant (Variation ID: 906838). Algorithms developed to predict the effect of missense changes on protein structure and function output the following: SIFT: "Not Available"; PolyPhen-2: "Benign"; Align-GVGD: "Not Available". The valine amino acid residue is found in multiple mammalian species, which suggests that this missense change does not adversely affect protein function. Algorithms developed to predict the effect of sequence changes on RNA splicing suggest that this variant may create or strengthen a splice site. In summary, the available evidence is currently insufficient to determine the role of this variant in disease. Therefore, it has been classified as a Variant of Uncertain Significance.

Illumina Laboratory Services, Illumina
Classification: Uncertain significance for Leber congenital amaurosis 15. Last evaluated: 2017-04-27. Review status: criteria provided, single submitter. Criteria: ICSL Variant Classification Criteria 13 December 2019. Collection method: clinical testing. Allele origin: germline.

Illumina Laboratory Services, Illumina
Classification: Uncertain significance for Retinitis pigmentosa. Last evaluated: 2017-04-27. Review status: criteria provided, single submitter. Criteria: ICSL Variant Classification Criteria 13 December 2019. Collection method: clinical testing. Allele origin: germline.